The following is an entry in ClinVar:

NM_213599.3(ANO5):c.2125G>T (p.Ala709Ser)

Gene: ANO5 (anoctamin 5; plus strand). Cytogenetic location: 11p14.3.
Variant type: single nucleotide variant.
Coding change: c.2125G>T on transcript NM_213599.3 (MANE Select); coding-DNA position 2125, G replaced by T.
Protein change: p.Ala709Ser; replaces alanine 709 with serine.
Molecular consequence: missense variant.
Genome position (GRCh38, 1-based): chr11:22,272,879, G>T. VCF-style: chr11-22272879-G-T. GRCh37 (hg19) VCF-style: chr11-22294425-G-T.
Other names: p.Ala709Ser; c.2122G>T, p.Ala708Ser (NM_001142649.2); c.2125G>T (NM_213599.2); short protein forms A709S, A708S.
Identifiers: ClinVar variation 497235 (VCV000497235.9), dbSNP rs868221979, ClinGen allele CA218775845.

ClinVar aggregate classification (germline): Conflicting classifications of pathogenicity. Review status: criteria provided, conflicting classifications (1 of 4 stars). 5 submissions from 5 submitters: Uncertain significance (4); Likely benign (1). Last evaluated 2023-06-20.

Conditions:
Autosomal recessive limb-girdle muscular dystrophy type 2L (LGMDR12). Also called: Limb-Girdle Muscular Dystrophy R12 Anoctamin-5-Related (LGMD-R12); Limb-girdle muscular dystrophy, type 2L; MUSCULAR DYSTROPHY, LIMB-GIRDLE, AUTOSOMAL RECESSIVE 12. Identifiers: Orphanet 206549, MedGen C1969785, MONDO:0012652, OMIM 611307.
Gnathodiaphyseal dysplasia (GDD). Also called: GNATHODIAPHYSEAL SCLEROSIS; OSTEOGENESIS IMPERFECTA WITH UNUSUAL SKELETAL LESIONS. Identifiers: Orphanet 53697, MedGen C1833736, MONDO:0008151, OMIM 166260.

Allele frequency attached by ClinVar (database versions not stated): gnomAD 0.00001; TOPMed 0.00001.

Submissions (5):

Labcorp Genetics (formerly Invitae), Labcorp
Classification: Uncertain significance for Autosomal recessive limb-girdle muscular dystrophy type 2L; Gnathodiaphyseal dysplasia. Last evaluated: 2023-06-20. Review status: criteria provided, single submitter. Criteria: Invitae Variant Classification Sherloc (09022015). Collection method: clinical testing. Allele origin: germline.
Comment: This sequence change replaces alanine, which is neutral and non-polar, with serine, which is neutral and polar, at codon 709 of the ANO5 protein (p.Ala709Ser). This variant is not present in population databases (gnomAD no frequency). This variant has not been reported in the literature in individuals affected with ANO5-related conditions. ClinVar contains an entry for this variant (Variation ID: 497235). Algorithms developed to predict the effect of missense changes on protein structure and function output the following: SIFT: "Not Available"; PolyPhen-2: "Possibly Damaging"; Align-GVGD: "Not Available". The serine amino acid residue is found in multiple mammalian species, which suggests that this missense change does not adversely affect protein function. In summary, the available evidence is currently insufficient to determine the role of this variant in disease. Therefore, it has been classified as a Variant of Uncertain Significance.

Mayo Clinic Laboratories, Mayo Clinic
Classification: Uncertain significance. Last evaluated: 2023-05-24. Review status: criteria provided, single submitter. Criteria: ACMG Guidelines, 2015. Collection method: clinical testing. Allele origin: germline. Observed: 1 variant allele.
Comment: BP4, PM2_supporting

Blueprint Genetics
Classification: Likely benign. Last evaluated: 2021-01-13. Review status: criteria provided, single submitter. Criteria: ACMG Guidelines, 2015. Collection method: clinical testing. Allele origin: germline.

Eurofins Ntd Llc (ga)
Classification: Uncertain significance. Last evaluated: 2016-09-29. Review status: criteria provided, single submitter. Criteria: EGL Classification Definitions 2015. Collection method: clinical testing. Allele origin: germline. Observed: 1 variant allele, 1 heterozygote.

Breakthrough Genomics
Classification: Uncertain significance. Review status: criteria provided, single submitter. Criteria: ACMG Guidelines, 2015. Collection method: not provided. Allele origin: germline. Inheritance: Autosomal recessive inheritance. Affected: yes.